The following is an entry in ClinVar:

ClinVar aggregate classification (germline): Pathogenic (0 of 4 stars; one submission).

Conditions:
Renal tubular acidosis, distal, 4, with hemolytic anemia. Also called: Renal Tubular Acidosis, Distal, with Hemolytic Anemia. Identifiers: Orphanet 93610, MedGen C5436235, MONDO:0012700, OMIM 611590.

Allele frequency attached by ClinVar (database versions not stated): gnomAD exomes below 0.00001 and 0.00001; ExAC 0.00001.
gnomAD v4.1: 2 of 1,611,912 alleles (0.00012%); highest among the groups gnomAD compares: East Asian, 0.0045%; no homozygotes.

Submission:

Division of Molecular Medicine, Faculty of Medicine Siriraj Hospital, Mahidol University
Classification: Pathogenic for Renal tubular acidosis, distal, 4, with hemolytic anemia. Last evaluated: 2018-01-01. Review status: no assertion criteria provided. Collection method: research. Allele origin: somatic. Affected: yes. Observed: 3 variant alleles.
Comment: This variant was observed in compound heterozygity with NM_182758.3:c.1777A>G and is pathogenic for autosomal recessive OMIM:611590. These variants were observed by whole exome sequencing and Sanger sequencing in three patients.

Literature cited by the submitters: PubMed 30028003.

NM_182758.4(WDR72):c.2522T>A (p.Leu841Gln)

Gene: WDR72 (WD repeat domain 72; minus strand). Cytogenetic location: 15q21.3.
Variant type: single nucleotide variant.
Coding change: c.2522T>A on transcript NM_182758.4 (MANE Select); coding-DNA position 2522, T replaced by A.
Protein change: p.Leu841Gln; replaces leucine 841 with glutamine.
Molecular consequence: missense variant. On other transcripts: non-coding transcript variant (1).
Genome position (GRCh38, 1-based): chr15:53,615,684, A>T on the plus strand (T>A on the coding strand, the complement: WDR72 is on the minus strand). VCF-style: chr15-53615684-A-T. GRCh37 (hg19) VCF-style: chr15-53907881-A-T.
Other names: short protein forms L841Q.
Identifiers: ClinVar variation 522609 (VCV000522609.3), dbSNP rs768446132, ClinGen allele CA7570846.